The following is an entry in ClinVar:

ClinVar aggregate classification (germline): Uncertain significance (1 of 4 stars; one submission).

Submission:

Labcorp Genetics (formerly Invitae), Labcorp
Classification: Uncertain significance. Last evaluated: 2025-12-10. Review status: criteria provided, single submitter. Criteria: Invitae Variant Classification Sherloc (09022015). Collection method: clinical testing. Allele origin: germline.
Comment: This sequence change replaces lysine, which is basic and polar, with asparagine, which is neutral and polar, at codon 1261 of the DUOX2 protein (p.Lys1261Asn). This variant is not present in population databases (gnomAD no frequency). This variant has not been reported in the literature in individuals affected with DUOX2-related conditions. ClinVar contains an entry for this variant (Variation ID: 1963939). Invitae Evidence Modeling of protein sequence and biophysical properties (such as structural, functional, and spatial information, amino acid conservation, physicochemical variation, residue mobility, and thermodynamic stability) indicates that this missense variant is expected to disrupt DUOX2 protein function with a positive predictive value of 80%. In summary, the available evidence is currently insufficient to determine the role of this variant in disease. Therefore, it has been classified as a Variant of Uncertain Significance.

NM_001363711.2(DUOX2):c.3783G>C (p.Lys1261Asn)

Gene: DUOX2 (dual oxidase 2; minus strand). Cytogenetic location: 15q21.1.
Variant type: single nucleotide variant.
Coding change: c.3783G>C on transcript NM_001363711.2 (MANE Select); coding-DNA position 3783, G replaced by C.
Protein change: p.Lys1261Asn; replaces lysine 1261 with asparagine.
Molecular consequence: missense variant.
Genome position (GRCh38, 1-based): chr15:45,097,302, C>G on the plus strand (G>C on the coding strand, the complement: DUOX2 is on the minus strand). VCF-style: chr15-45097302-C-G. GRCh37 (hg19) VCF-style: chr15-45389500-C-G.
Other names: c.3783G>C, p.Lys1261Asn (NM_014080.5); short protein forms K1261N.
Identifiers: ClinVar variation 1963939 (VCV001963939.3), dbSNP rs1453790650, ClinGen allele CA392254853.